The following is an entry in ClinVar:

ClinVar aggregate classification (germline): Benign. Review status: criteria provided, multiple submitters, no conflicts (2 of 4 stars). 3 submissions from 3 submitters: Benign (2). 1 of the submissions does not count toward it. Last evaluated 2026-02-02.

Conditions:
SAMD11-related disorder. Also called: SAMD11-related condition.

Allele frequency attached by ClinVar (database versions not stated): 1000 Genomes Project 30x 0.00390; 1000 Genomes Project 0.00399; TOPMed 0.00512; ESP Exome Variant Server 0.00646.
gnomAD v4.1: 13,907 of 1,609,268 alleles (0.86%); highest among the groups gnomAD compares: Non-Finnish European, 1%; 56 homozygotes.

Submissions (3):

Labcorp Genetics (formerly Invitae), Labcorp
Classification: Benign. Last evaluated: 2026-02-02. Review status: criteria provided, single submitter. Criteria: Invitae Variant Classification Sherloc (09022015). Collection method: clinical testing. Allele origin: germline.

Breakthrough Genomics
Classification: Benign. Review status: criteria provided, single submitter. Criteria: ACMG Guidelines, 2015. Collection method: not provided. Allele origin: germline. Inheritance: Unknown mechanism. Affected: yes.

PreventionGenetics, part of Exact Sciences
Classification: Benign for SAMD11-related condition. Last evaluated: 2019-04-09. Review status: no assertion criteria provided. Collection method: clinical testing. Allele origin: germline. Not counted in ClinVar's aggregate classification.
Comment: This variant is classified as benign based on ACMG/AMP sequence variant interpretation guidelines (Richards et al. 2015 PMID: 25741868, with internal and published modifications).

NM_001385641.1(SAMD11):c.2484G>C (p.Gly828=)

Gene: SAMD11 (sterile alpha motif domain containing 11; plus strand). Cytogenetic location: 1p36.33.
Variant type: single nucleotide variant.
Coding change: c.2484G>C on transcript NM_001385641.1 (MANE Select); coding-DNA position 2484, G replaced by C.
Protein change: p.Gly828=; no amino-acid change (glycine 828 retained).
Molecular consequence: synonymous variant.
Genome position (GRCh38, 1-based): chr1:944,102, G>C. VCF-style: chr1-944102-G-C. GRCh37 (hg19) VCF-style: chr1-879482-G-C.
Other names: c.1995G>C (NM_152486.2); c.2487G>C, p.Gly829= (NM_001385640.1); c.1995G>C, p.Gly665= (NM_152486.4).
Identifiers: ClinVar variation 1166028 (VCV001166028.11), dbSNP rs149880798, ClinGen allele CA503435.